The following is an entry in ClinVar:

NM_000057.4(BLM):c.518C>G (p.Pro173Arg)

Gene: BLM (BLM RecQ like helicase; plus strand). Cytogenetic location: 15q26.1.
Variant type: single nucleotide variant.
Coding change: c.518C>G on transcript NM_000057.4 (MANE Select); coding-DNA position 518, C replaced by G.
Protein change: p.Pro173Arg; replaces proline 173 with arginine.
Molecular consequence: missense variant. On other transcripts: 5 prime UTR variant (1).
Genome position (GRCh38, 1-based): chr15:90,749,786, C>G. VCF-style: chr15-90749786-C-G. GRCh37 (hg19) VCF-style: chr15-91293016-C-G.
Other names: c.518C>G, p.Pro173Arg (NM_001287246.2, NM_001287247.2); c.-774C>G (NM_001287248.2); c.518C>G (NM_000057.2); short protein forms P173R.
Identifiers: ClinVar variation 1015948 (VCV001015948.10), dbSNP rs762713320, ClinGen allele CA393840960.

ClinVar aggregate classification (germline): Conflicting classifications of pathogenicity. Review status: criteria provided, conflicting classifications (1 of 4 stars). 2 submissions from 2 submitters: Uncertain significance (1); Likely benign (1). Last evaluated 2025-07-07.

Conditions:
Hereditary cancer-predisposing syndrome. Also called: Hereditary Cancer Syndrome; Tumor predisposition; Neoplastic Syndromes, Hereditary; Hereditary neoplastic syndrome. Identifiers: Orphanet 140162, MedGen C0027672, MeSH D009386, MONDO:0015356.
Bloom syndrome (BLM). Also called: Bloom-Torre-Machacek syndrome. Identifiers: Orphanet 125, MedGen C0005859, MONDO:0008876, OMIM 210900.

Submissions (2):

Labcorp Genetics (formerly Invitae), Labcorp
Classification: Uncertain significance for Bloom syndrome. Last evaluated: 2025-07-07. Review status: criteria provided, single submitter. Criteria: Invitae Variant Classification Sherloc (09022015). Collection method: clinical testing. Allele origin: germline.
Comment: This sequence change replaces proline, which is neutral and non-polar, with arginine, which is basic and polar, at codon 173 of the BLM protein (p.Pro173Arg). This variant is not present in population databases (gnomAD no frequency). This variant has not been reported in the literature in individuals affected with BLM-related conditions. ClinVar contains an entry for this variant (Variation ID: 1015948). An algorithm developed to predict the effect of missense changes on protein structure and function outputs the following: PolyPhen-2: "Benign". The arginine amino acid residue is found in multiple mammalian species, which suggests that this missense change does not adversely affect protein function. In summary, the available evidence is currently insufficient to determine the role of this variant in disease. Therefore, it has been classified as a Variant of Uncertain Significance.

Ambry Genetics
Classification: Likely benign for Hereditary cancer-predisposing syndrome. Last evaluated: 2024-08-07. Review status: criteria provided, single submitter. Criteria: Ambry Variant Classification Scheme 2023. Collection method: clinical testing. Allele origin: germline.